The following is an entry in ClinVar:

ClinVar aggregate classification (germline): Uncertain significance (1 of 4 stars; one submission).

Conditions:
Spastic paraplegia. Identifiers: MedGen C0037772, HP:0001258.

Submission:

Labcorp Genetics (formerly Invitae), Labcorp
Classification: Uncertain significance for Spastic paraplegia. Last evaluated: 2022-12-09. Review status: criteria provided, single submitter. Criteria: Invitae Variant Classification Sherloc (09022015). Collection method: clinical testing. Allele origin: germline.
Comment: In summary, the available evidence is currently insufficient to determine the role of this variant in disease. Therefore, it has been classified as a Variant of Uncertain Significance. Algorithms developed to predict the effect of missense changes on protein structure and function (SIFT, PolyPhen-2, Align-GVGD) all suggest that this variant is likely to be tolerated. This variant has not been reported in the literature in individuals affected with VAMP1-related conditions. This variant is not present in population databases (gnomAD no frequency). This sequence change replaces phenylalanine, which is neutral and non-polar, with leucine, which is neutral and non-polar, at codon 116 of the VAMP1 protein (p.Phe116Leu).

NM_014231.5(VAMP1):c.346T>C (p.Phe116Leu)

Genes: TAPBPL (TAP binding protein like; plus strand), VAMP1 (vesicle associated membrane protein 1; minus strand). Cytogenetic location: 12p13.31.
Variant type: single nucleotide variant.
Coding change: c.346T>C on transcript NM_014231.5 (MANE Select); coding-DNA position 346, T replaced by C.
Protein change: p.Phe116Leu; replaces phenylalanine 116 with leucine.
Molecular consequence: missense variant. On other transcripts: 3 prime UTR variant (1), intron variant (2).
Genome position (GRCh38, 1-based): chr12:6,464,481, A>G on the plus strand (T>C on the coding strand, the complement: VAMP1 is on the minus strand). VCF-style: chr12-6464481-A-G. GRCh37 (hg19) VCF-style: chr12-6573647-A-G.
Other names: c.*395T>C (NM_199245.3); c.340+409T>C (NM_016830.4, NM_001297438.2); short protein forms F116L.
Identifiers: ClinVar variation 1940334 (VCV001940334.5), dbSNP rs2498242849, ClinGen allele CA383558612.